The following is an entry in ClinVar:

NM_000051.4(ATM):c.1435_1436del (p.Asp479fs)

Gene: ATM (ATM serine/threonine kinase; plus strand). Cytogenetic location: 11q22.3.
Variant type: Deletion.
Coding change: c.1435_1436del on transcript NM_000051.4 (MANE Select); coding-DNA positions 1435 to 1436, 2 bases deleted (GA; older notation c.1435_1436delGA).
Protein change: p.Asp479fs; shifts the reading frame from aspartic acid 479.
Molecular consequence: frameshift variant.
Genome position (GRCh38, 1-based): chr11:108,250,900-108,250,901, GA deleted; deleting any 2 consecutive bases within chr11:108,250,899-108,250,901 gives the same sequence; the c. name uses the placement nearest the transcript's 3' end. VCF-style (leftmost placement, unchanged base first): chr11-108250898-CAG-C. GRCh37 (hg19) VCF-style: chr11-108121625-CAG-C.
Other names: c.1435_1436delGA (NM_000051.3); c.1435_1436del, p.Asp479fs (NM_001351834.2); short protein forms D479fs.
Identifiers: ClinVar variation 481217 (VCV000481217.17), dbSNP rs1555070947, ClinGen allele CA658656143.

ClinVar aggregate classification (germline): Pathogenic/Likely pathogenic. Review status: criteria provided, multiple submitters, no conflicts (2 of 4 stars). 7 submissions from 7 submitters: Pathogenic (4); Likely pathogenic (3). Last evaluated 2025-11-05.

Conditions:
Hereditary cancer-predisposing syndrome. Also called: Hereditary neoplastic syndrome; Neoplastic Syndromes, Hereditary; Tumor predisposition; Hereditary Cancer Syndrome. Identifiers: Orphanet 140162, MedGen C0027672, MeSH D009386, MONDO:0015356.
Familial cancer of breast. Also called: BREAST CANCER, FAMILIAL; Hereditary breast cancer; hereditary breast carcinoma. Identifiers: Orphanet 227535, MedGen C0346153, MONDO:0016419, OMIM 114480. Disease mechanism: loss of function.
Ataxia-telangiectasia syndrome (AT). Also called: LOUIS-BAR SYNDROME; Cerebello-oculocutaneous telangiectasia; Immunodeficiency with ataxia telangiectasia; AT, COMPLEMENTATION GROUP C; Ataxia-telangiectasia, complementation group D; ATAXIA-TELANGIECTASIA, COMPLEMENTATION GROUP A. Identifiers: Orphanet 100, MedGen C0004135, MONDO:0008840, OMIM 208900.

Submissions (7):

Labcorp Genetics (formerly Invitae), Labcorp
Classification: Pathogenic for Ataxia-telangiectasia syndrome. Last evaluated: 2025-11-05. Review status: criteria provided, single submitter. Criteria: Invitae Variant Classification Sherloc (09022015). Collection method: clinical testing. Allele origin: germline.
Comment: This sequence change creates a premature translational stop signal (p.Asp479Phefs*7) in the ATM gene. It is expected to result in an absent or disrupted protein product. Loss-of-function variants in ATM are known to be pathogenic (PMID: 23807571, 25614872). This variant is not present in population databases (gnomAD no frequency). This variant has not been reported in the literature in individuals affected with ATM-related conditions. ClinVar contains an entry for this variant (Variation ID: 481217). RNA analysis performed to evaluate the impact of this premature translational stop signal on mRNA splicing indicates it does not significantly alter splicing (internal data). For these reasons, this variant has been classified as Pathogenic.

Color Diagnostics, LLC DBA Color Health
Classification: Pathogenic for Hereditary cancer-predisposing syndrome. Last evaluated: 2025-10-14. Review status: criteria provided, single submitter. Criteria: ACMG Guidelines, 2015. Collection method: clinical testing. Allele origin: germline.
Comment: This variant deletes 2 nucleotides in exon 10 of the ATM gene, creating a frameshift and premature translation stop signal. This variant is expected to result in an absent or non-functional protein product. To our knowledge, this variant has not been reported in individuals affected with ATM-related disorders in the literature. This variant has not been identified in the general population by the Genome Aggregation Database (gnomAD). Loss of ATM function is a known mechanism of disease. Based on the available evidence, this variant is classified as Pathogenic.

Quest Diagnostics Nichols Institute San Juan Capistrano
Classification: Likely pathogenic. Last evaluated: 2025-09-09. Review status: criteria provided, single submitter. Criteria: Quest Diagnostics criteria. Collection method: clinical testing. Allele origin: unknown.
Comment: The ATM c.1435_1436del (p.Asp479Phefs*7) variant alters the translational reading frame of the ATM mRNA and is predicted to cause the premature termination of ATM protein synthesis. This variant has not been reported in individuals with ATM-related conditions in the published literature. This variant has not been reported in large, multi-ethnic general populations (Genome Aggregation Database). Based on the available information, this variant is classified as likely pathogenic.

Ambry Genetics
Classification: Pathogenic for Hereditary cancer-predisposing syndrome. Last evaluated: 2025-07-07. Review status: criteria provided, single submitter. Criteria: Ambry Variant Classification Scheme 2023. Collection method: clinical testing. Allele origin: germline.
Comment: The c.1435_1436delGA pathogenic mutation, located in coding exon 9 of the ATM gene, results from a deletion of two nucleotides at nucleotide positions 1435 to 1436, causing a translational frameshift with a predicted alternate stop codon (p.D479Ffs*7). This variant is considered to be rare based on population cohorts in the Genome Aggregation Database (gnomAD). This alteration is expected to result in loss of function by premature protein truncation or nonsense-mediated mRNA decay. As such, this alteration is interpreted as a disease-causing mutation.

Myriad Genetics, Inc.
Classification: Pathogenic for Familial cancer of breast. Last evaluated: 2024-01-16. Review status: criteria provided, single submitter. Criteria: Myriad Autosomal Dominant, Autosomal Recessive and X-Linked Classification Criteria (2023). Collection method: clinical testing. Allele origin: unknown.
Comment: This variant is considered pathogenic. This variant creates a frameshift predicted to result in premature protein truncation.

Baylor Genetics
Classification: Likely pathogenic for Familial cancer of breast. Last evaluated: 2023-12-04. Review status: criteria provided, single submitter. Criteria: ACMG Guidelines, 2015. Collection method: clinical testing. Allele origin: unknown.

GeneDx
Classification: Likely pathogenic. Last evaluated: 2017-02-16. Review status: criteria provided, single submitter. Criteria: GeneDx Variant Classification (06012015). Collection method: clinical testing. Allele origin: germline. Affected: yes.
Comment: This deletion of two nucleotides in ATM is denoted c.1435_1436delGA at the cDNA level and p.Asp479PhefsX7 (D479FfsX7) at the protein level. The normal sequence, with the bases that are deleted in brackets, is GTCA[delGA]TTTA. The deletion causes a frameshift which changes an Aspartic Acid to a Phenylalanine at codon 479, and creates a premature stop codon at position 7 of the new reading frame. Although this variant has not, to our knowledge, been reported in the literature, it is predicted to cause loss of normal protein function through either protein truncation or nonsense-mediated mRNA decay. Based on the currently available information, we consider this deletion to be a likely pathogenic variant.

Literature cited by the submitters: PubMed 23807571 (cited by Labcorp Genetics (formerly Invitae), Labcorp); PubMed 25614872 (cited by Labcorp Genetics (formerly Invitae), Labcorp).